The following is an entry in ClinVar:

NM_199355.4(ADAMTS18):c.2311C>G (p.Pro771Ala)

Gene: ADAMTS18 (ADAM metallopeptidase with thrombospondin type 1 motif 18; minus strand). Cytogenetic location: 16q23.1.
Variant type: single nucleotide variant.
Coding change: c.2311C>G on transcript NM_199355.4 (MANE Select); coding-DNA position 2311, C replaced by G.
Protein change: p.Pro771Ala; replaces proline 771 with alanine.
Molecular consequence: missense variant.
Genome position (GRCh38, 1-based): chr16:77,320,070, G>C on the plus strand (C>G on the coding strand, the complement: ADAMTS18 is on the minus strand). VCF-style: chr16-77320070-G-C. GRCh37 (hg19) VCF-style: chr16-77353967-G-C.
Other names: c.1795C>G, p.Pro599Ala (NM_001326358.2); short protein forms P771A, P599A.
Identifiers: ClinVar variation 954084 (VCV000954084.9), dbSNP rs531196517, ClinGen allele CA8180953.
Genomic context (GRCh38, chr16:77,320,070, plus strand): 5'-CTGCGAGGTAACTGGAGGAAACCTGCAGCTCCTGGATTTCGATGCTTCGGGCGCCAGCTG[G>C]AATGAGGACCACCGGATAATATTCTAAATGGAAAGAAGAGAACATGTCTGAATTCCACCC-3'
Protein context (NP_955387.1, residues 761-781): ANEYYPVVLI[Pro771Ala]AGARSIEIQE

ClinVar aggregate classification (germline): Uncertain significance (1 of 4 stars; one submission).

gnomAD v4.1: 2 of 1,613,960 alleles (0.00012%); highest among the groups gnomAD compares: South Asian, 0.0022%; no homozygotes.

Submission:

Labcorp Genetics (formerly Invitae), Labcorp
Classification: Uncertain significance. Last evaluated: 2022-07-12. Review status: criteria provided, single submitter. Criteria: Invitae Variant Classification Sherloc (09022015). Collection method: clinical testing. Allele origin: germline.
Comment: In summary, the available evidence is currently insufficient to determine the role of this variant in disease. Therefore, it has been classified as a Variant of Uncertain Significance. This sequence change replaces proline, which is neutral and non-polar, with alanine, which is neutral and non-polar, at codon 771 of the ADAMTS18 protein (p.Pro771Ala). This variant is present in population databases (rs531196517, gnomAD 0.003%). This variant has not been reported in the literature in individuals affected with ADAMTS18-related conditions. ClinVar contains an entry for this variant (Variation ID: 954084). Algorithms developed to predict the effect of missense changes on protein structure and function are either unavailable or do not agree on the potential impact of this missense change (SIFT: "Not Available"; PolyPhen-2: "Probably Damaging"; Align-GVGD: "Not Available").